The following is an entry in ClinVar:

NM_053025.4(MYLK):c.3000C>T (p.Ala1000=)

Gene: MYLK (myosin light chain kinase; minus strand). Cytogenetic location: 3q21.1.
Variant type: single nucleotide variant.
Coding change: c.3000C>T on transcript NM_053025.4 (MANE Select); coding-DNA position 3000, C replaced by T.
Protein change: p.Ala1000=; no amino-acid change (alanine 1000 retained).
Molecular consequence: synonymous variant.
Genome position (GRCh38, 1-based): chr3:123,700,468, G>A on the plus strand (C>T on the coding strand, the complement: MYLK is on the minus strand). VCF-style: chr3-123700468-G-A. GRCh37 (hg19) VCF-style: chr3-123419315-G-A.
Other names: c.2472C>T, p.Ala824= (NM_001321309.2); c.2793C>T, p.Ala931= (NM_053026.4, NM_053028.4); c.3000C>T, p.Ala1000= (NM_053027.4).
Identifiers: ClinVar variation 519970 (VCV000519970.50), dbSNP rs141546581, ClinGen allele CA069240.
Genomic context (GRCh38, chr3:123,700,468, plus strand): 5'-TGAAGGCTGTGCATTGCTCAGGGGCTTGGAACTCTCCACTGCCTTGGCATTCAGGGTCTC[G>A]GCACTGCTGCTGCCATTCTCTGCTGGTAATTTCTTCTTGCCACCCAGCACTGAGCGAAAA-3'
Protein context (NP_444253.3, residues 990-1010): KLPAENGSSS[Ala1000=]ETLNAKAVES

ClinVar aggregate classification (germline): Likely benign. Review status: criteria provided, multiple submitters, no conflicts (2 of 4 stars). 6 submissions from 6 submitters: Likely benign (6). Last evaluated 2025-09-28.

Conditions:
Familial thoracic aortic aneurysm and aortic dissection (TAAD). Also called: Thoracic aortic aneurysms and dissections. Identifiers: Orphanet 91387, MedGen C4707243, MONDO:0019625.
Aortic aneurysm, familial thoracic 7 (AAT7). Also called: AORTIC DISSECTION, FAMILIAL, WITH OR WITHOUT AORTIC ANEURYSM. Identifiers: MedGen C3151077, MONDO:0013418, OMIM 613780.

Allele frequency attached by ClinVar (database versions not stated): gnomAD 0.00004 and 0.00005; gnomAD exomes 0.00004 and 0.00008; TOPMed 0.00004; ExAC 0.00009; ESP Exome Variant Server 0.00015; 1000 Genomes Project 30x 0.00031; 1000 Genomes Project 0.00040.
gnomAD v4.1: 58 of 1,607,878 alleles (0.0036%); highest among the groups gnomAD compares: African/African-American, 0.0067%; no homozygotes.

Submissions (6):

Labcorp Genetics (formerly Invitae), Labcorp
Classification: Likely benign for Aortic aneurysm, familial thoracic 7. Last evaluated: 2025-09-28. Review status: criteria provided, single submitter. Criteria: Invitae Variant Classification Sherloc (09022015). Collection method: clinical testing. Allele origin: germline.

Blueprint Genetics
Classification: Likely benign. Last evaluated: 2024-11-01. Review status: criteria provided, single submitter. Criteria: ACMG Guidelines, 2015. Collection method: clinical testing. Allele origin: germline.

CeGaT Center for Human Genetics Tuebingen
Classification: Likely benign. Last evaluated: 2022-04-01. Review status: criteria provided, single submitter. Criteria: CeGaT Center For Human Genetics Tuebingen Variant Classification Criteria Version 2. Collection method: clinical testing. Allele origin: germline. Affected: yes. Observed: 1 variant allele.
Comment: MYLK: BP4, BP7

CHEO Genetics Diagnostic Laboratory, Children's Hospital of Eastern Ontario
Classification: Likely benign for Familial thoracic aortic aneurysm and aortic dissection. Last evaluated: 2021-09-14. Review status: criteria provided, single submitter. Criteria: ACMG Guidelines, 2015. Collection method: clinical testing. Allele origin: germline.

GeneDx
Classification: Likely benign. Last evaluated: 2020-12-16. Review status: criteria provided, single submitter. Criteria: GeneDx Variant Classification Process June 2021. Collection method: clinical testing. Allele origin: germline. Affected: yes.

Ambry Genetics
Classification: Likely benign for Familial thoracic aortic aneurysm and aortic dissection. Last evaluated: 2016-01-12. Review status: criteria provided, single submitter. Criteria: Ambry Variant Classification Scheme 2023. Collection method: clinical testing. Allele origin: germline.